The following is an entry in ClinVar:

NM_000195.5(HPS1):c.689G>C (p.Arg230Pro)

Gene: HPS1 (HPS1 biogenesis of lysosomal organelles complex 3 subunit 1; minus strand). Cytogenetic location: 10q24.2.
Variant type: single nucleotide variant.
Coding change: c.689G>C on transcript NM_000195.5 (MANE Select); coding-DNA position 689, G replaced by C.
Protein change: p.Arg230Pro; replaces arginine 230 with proline.
Molecular consequence: missense variant. On other transcripts: 5 prime UTR variant (3).
Genome position (GRCh38, 1-based): chr10:98,430,650, C>G on the plus strand (G>C on the coding strand, the complement: HPS1 is on the minus strand). VCF-style: chr10-98430650-C-G. GRCh37 (hg19) VCF-style: chr10-100190407-C-G.
Other names: c.-185G>C (NM_001311345.2, NM_001322489.2); c.689G>C, p.Arg230Pro (NM_001322476.2, NM_001322477.2, NM_001322478.2 and 3 more transcripts); c.428G>C, p.Arg143Pro (NM_001322480.2, NM_001322481.2, NM_001322482.2); c.320G>C, p.Arg107Pro (NM_001322483.2, NM_001322484.2, NM_001322485.2); c.-284G>C (NM_001322487.2); c.571G>C, p.Ala191Pro (NM_001322490.2, NM_001322492.2); short protein forms R230P, A191P, R107P, R143P.
Identifiers: ClinVar variation 1942728 (VCV001942728.5), dbSNP rs377752969, ClinGen allele CA378052180.

ClinVar aggregate classification (germline): Uncertain significance (1 of 4 stars; one submission).

Submission:

Labcorp Genetics (formerly Invitae), Labcorp
Classification: Uncertain significance. Last evaluated: 2024-02-24. Review status: criteria provided, single submitter. Criteria: Invitae Variant Classification Sherloc (09022015). Collection method: clinical testing. Allele origin: germline.
Comment: This sequence change replaces arginine, which is basic and polar, with proline, which is neutral and non-polar, at codon 230 of the HPS1 protein (p.Arg230Pro). This variant is not present in population databases (gnomAD no frequency). This variant has not been reported in the literature in individuals affected with HPS1-related conditions. ClinVar contains an entry for this variant (Variation ID: 1942728). Advanced modeling of protein sequence and biophysical properties (such as structural, functional, and spatial information, amino acid conservation, physicochemical variation, residue mobility, and thermodynamic stability) performed at Invitae indicates that this missense variant is not expected to disrupt HPS1 protein function with a negative predictive value of 80%. In summary, the available evidence is currently insufficient to determine the role of this variant in disease. Therefore, it has been classified as a Variant of Uncertain Significance.